The following is an entry in ClinVar:

NM_001007525.5(NWD1):c.3294C>T (p.Leu1098=)

Gene: NWD1 (NACHT and WD repeat domain containing 1; plus strand). Cytogenetic location: 19p13.11.
Variant type: single nucleotide variant.
Coding change: c.3294C>T on transcript NM_001007525.5 (MANE Select); coding-DNA position 3294, C replaced by T.
Protein change: p.Leu1098=; no amino-acid change (leucine 1098 retained).
Molecular consequence: synonymous variant.
Genome position (GRCh38, 1-based): chr19:16,794,543, C>T. VCF-style: chr19-16794543-C-T. GRCh37 (hg19) VCF-style: chr19-16905354-C-T.
Other names: c.2889C>T, p.Leu963= (NM_001290355.3); c.2676C>T, p.Leu892= (NM_001347994.1).
Identifiers: ClinVar variation 2649520 (VCV002649520.24), dbSNP rs568529026, ClinGen allele CA9282294.

ClinVar aggregate classification (germline): Likely benign (1 of 4 stars; one submission).

Allele frequency attached by ClinVar (database versions not stated): 1000 Genomes Project 30x 0.00047; 1000 Genomes Project 0.00060; TOPMed 0.00001; gnomAD 0.00003; gnomAD exomes 0.00007; ExAC 0.00030.
gnomAD v4.1: 110 of 1,604,488 alleles (0.0069%); highest among the groups gnomAD compares: Middle Eastern, 0.2%; 1 homozygote.

Submission:

CeGaT Center for Human Genetics Tuebingen
Classification: Likely benign. Last evaluated: 2023-03-01. Review status: criteria provided, single submitter. Criteria: CeGaT Center For Human Genetics Tuebingen Variant Classification Criteria Version 2. Collection method: clinical testing. Allele origin: germline. Affected: yes. Observed: 1 variant allele.
Comment: NWD1: BP4, BP7